The following is an entry in ClinVar:

NM_001283009.2(RTEL1):c.2429G>A (p.Gly810Glu)

Genes: RTEL1 (regulator of telomere elongation helicase 1; plus strand), RTEL1-TNFRSF6B (RTEL1-TNFRSF6B readthrough (NMD candidate); plus strand). Cytogenetic location: 20q13.33.
Variant type: single nucleotide variant.
Coding change: c.2429G>A on transcript NM_001283009.2 (MANE Select); coding-DNA position 2429, G replaced by A.
Protein change: p.Gly810Glu; replaces glycine 810 with glutamic acid.
Molecular consequence: missense variant. On other transcripts: non-coding transcript variant (1).
Genome position (GRCh38, 1-based): chr20:63,690,820, G>A. VCF-style: chr20-63690820-G-A. GRCh37 (hg19) VCF-style: chr20-62322173-G-A.
Other names: c.1760G>A, p.Gly587Glu (NM_001283010.1); c.2429G>A, p.Gly810Glu (NM_016434.4); c.2501G>A, p.Gly834Glu (NM_032957.5); short protein forms G587E, G810E, G834E.
Identifiers: ClinVar variation 4629518 (VCV004629518.1).
Genomic context (GRCh38, chr20:63,690,820, plus strand): 5'-TGGGGCCCCCCGTGGGCTTCACTGCGCACTCGGGTGCCCCTGCAGGGTCACCAGCTGCCG[G>A]GGACCCCGAGAGTAGCCTGTGTGTGGAGTATGAGCAGGAGCCAGTTCCTGCCCGGCAGAG-3'
Protein context (NP_001269938.1, residues 800-820): KQRSSGSPAA[Gly810Glu]DPESSLCVEY

ClinVar aggregate classification (germline): Uncertain significance (1 of 4 stars; one submission).

Conditions:
Inborn genetic diseases. Identifiers: MedGen C0950123, MeSH D030342.

gnomAD v4.1: 1 of 1,605,154 alleles (0.000062%); highest among the groups gnomAD compares: Non-Finnish European, 0.000085%; no homozygotes.

Submission:

Ambry Genetics
Classification: Uncertain significance for Inborn genetic diseases. Last evaluated: 2025-09-27. Review status: criteria provided, single submitter. Criteria: Ambry Variant Classification Scheme 2023. Collection method: clinical testing. Allele origin: germline.
Comment: The p.G810E variant (also known as c.2429G>A), located in coding exon 26 of the RTEL1 gene, results from a G to A substitution at nucleotide position 2429. The glycine at codon 810 is replaced by glutamic acid, an amino acid with similar properties. This amino acid position is conserved. In addition, this alteration is predicted to be tolerated by in silico analysis. Based on the available evidence, the clinical significance of this variant remains unclear.